The following is an entry in ClinVar:

ClinVar aggregate classification (germline): Pathogenic (1 of 4 stars; one submission).

Submission:

Labcorp Genetics (formerly Invitae), Labcorp
Classification: Pathogenic. Last evaluated: 2024-03-13. Review status: criteria provided, single submitter. Criteria: Invitae Variant Classification Sherloc (09022015). Collection method: clinical testing. Allele origin: germline.
Comment: This sequence change creates a premature translational stop signal (p.Thr452Lysfs*32) in the FAM161A gene. It is expected to result in an absent or disrupted protein product. Loss-of-function variants in FAM161A are known to be pathogenic (PMID: 20705278, 20705279, 24651477). This variant is not present in population databases (gnomAD no frequency). This variant has not been reported in the literature in individuals affected with FAM161A-related conditions. For these reasons, this variant has been classified as Pathogenic.

Literature cited by the submitters: PubMed 20705278; PubMed 20705279; PubMed 24651477.

NM_001201543.2(FAM161A):c.1355del (p.Thr452fs)

Gene: FAM161A (FAM161 centrosomal protein A; minus strand). Cytogenetic location: 2p15.
Variant type: Deletion.
Coding change: c.1355del on transcript NM_001201543.2 (MANE Select); coding-DNA position 1355, one base deleted (C; older notation c.1355delC).
Protein change: p.Thr452fs; shifts the reading frame from threonine 452.
Molecular consequence: frameshift variant. On other transcripts: non-coding transcript variant (1).
Genome position (GRCh38, 1-based): chr2:61,839,649, G deleted on the plus strand (C on the coding strand, the reverse complement: FAM161A is on the minus strand). VCF-style (leftmost placement, unchanged base first): chr2-61839648-TG-T. GRCh37 (hg19) VCF-style: chr2-62066783-TG-T.
Other names: c.1355del, p.Thr452fs (NM_032180.3); short protein forms T452fs.
Identifiers: ClinVar variation 3645695 (VCV003645695.2).
Genomic context (GRCh38, chr2:61,839,648, plus strand): 5'-AATTTTTTCTCTTTTAATAGATGCATGTGGAGATGCATGAAGATCAAATGGTTTACACAC[TG>T]TTAAGAGTTTTGGAGACTTGTGTTCTGAGAGGTGTTTCTGGTATCTCTCAGGAAGGTCCT-3'